The following is an entry in ClinVar:

ClinVar aggregate classification (germline): Uncertain significance (1 of 4 stars; one submission).

Conditions:
Familial thoracic aortic aneurysm and aortic dissection (TAAD). Also called: Thoracic aortic aneurysms and dissections. Identifiers: Orphanet 91387, MedGen C4707243, MONDO:0019625.

Submission:

Ambry Genetics
Classification: Uncertain significance for Familial thoracic aortic aneurysm and aortic dissection. Last evaluated: 2025-03-09. Review status: criteria provided, single submitter. Criteria: Ambry Variant Classification Scheme 2023. Collection method: clinical testing. Allele origin: germline.
Comment: The p.D1560Y variant (also known as c.4678G>T), located in coding exon 32 of the MYH11 gene, results from a G to T substitution at nucleotide position 4678. The aspartic acid at codon 1560 is replaced by tyrosine, an amino acid with highly dissimilar properties. This amino acid position is conserved. In addition, this alteration is predicted to be deleterious by in silico analysis. Based on the available evidence, the clinical significance of this variant remains unclear.

NM_002474.3(MYH11):c.4678G>T (p.Asp1560Tyr)

Genes: MYH11 (myosin heavy chain 11; minus strand), NDE1 (nudE neurodevelopment protein 1; plus strand). Cytogenetic location: 16p13.11.
Variant type: single nucleotide variant.
Coding change: c.4678G>T on transcript NM_002474.3 (MANE Select); coding-DNA position 4678, G replaced by T.
Protein change: p.Asp1560Tyr; replaces aspartic acid 1560 with tyrosine.
Molecular consequence: missense variant. On other transcripts: intron variant (2).
Genome position (GRCh38, 1-based): chr16:15,720,952, C>A on the plus strand (G>T on the coding strand, the complement: MYH11 is on the minus strand). VCF-style: chr16-15720952-C-A. GRCh37 (hg19) VCF-style: chr16-15814809-C-A.
Other names: c.4699G>T, p.Asp1567Tyr (NM_001040113.2, NM_001040114.2); c.4678G>T, p.Asp1560Tyr (NM_022844.3); c.948-3239C>A (NM_001143979.2, NM_017668.3); short protein forms D1560Y, D1567Y.
Identifiers: ClinVar variation 3876306 (VCV003876306.1).